The following is an entry in ClinVar:

ClinVar aggregate classification (germline): Uncertain significance. Review status: criteria provided, multiple submitters, no conflicts (2 of 4 stars). 2 submissions from 2 submitters: Uncertain significance (2). Last evaluated 2025-11-13.

Conditions:
Inborn genetic diseases. Identifiers: MedGen C0950123, MeSH D030342.

Allele frequency attached by ClinVar (database versions not stated): gnomAD exomes 0.00001.

Submissions (2):

Ambry Genetics
Classification: Uncertain significance for Inborn genetic diseases. Last evaluated: 2025-11-13. Review status: criteria provided, single submitter. Criteria: Ambry Variant Classification Scheme 2023. Collection method: clinical testing. Allele origin: germline.

Labcorp Genetics (formerly Invitae), Labcorp
Classification: Uncertain significance. Last evaluated: 2021-02-26. Review status: criteria provided, single submitter. Criteria: Invitae Variant Classification Sherloc (09022015). Collection method: clinical testing. Allele origin: germline.
Comment: This variant has not been reported in the literature in individuals with WDFY3-related conditions. Algorithms developed to predict the effect of missense changes on protein structure and function (SIFT, PolyPhen-2, Align-GVGD) all suggest that this variant is likely to be tolerated, but these predictions have not been confirmed by published functional studies and their clinical significance is uncertain. In summary, the available evidence is currently insufficient to determine the role of this variant in disease. Therefore, it has been classified as a Variant of Uncertain Significance. This sequence change replaces serine with leucine at codon 538 of the WDFY3 protein (p.Ser538Leu). The serine residue is moderately conserved and there is a large physicochemical difference between serine and leucine. This variant is not present in population databases (ExAC no frequency).

NM_014991.6(WDFY3):c.1613C>T (p.Ser538Leu)

Gene: WDFY3 (WD repeat and FYVE domain containing 3; minus strand). Cytogenetic location: 4q21.23.
Variant type: single nucleotide variant.
Coding change: c.1613C>T on transcript NM_014991.6 (MANE Select); coding-DNA position 1613, C replaced by T.
Protein change: p.Ser538Leu; replaces serine 538 with leucine.
Molecular consequence: missense variant.
Genome position (GRCh38, 1-based): chr4:84,820,165, G>A on the plus strand (C>T on the coding strand, the complement: WDFY3 is on the minus strand). VCF-style: chr4-84820165-G-A. GRCh37 (hg19) VCF-style: chr4-85741318-G-A.
Other names: c.1613C>T (NM_014991.4); short protein forms S538L.
Identifiers: ClinVar variation 1346807 (VCV001346807.9), dbSNP rs1753850824, ClinGen allele CA357571209.
Genomic context (GRCh38, chr4:84,820,165, plus strand): 5'-TGAAGAAGCACTGTCAAGGTCTCCATAACCAATAAAGCCAGGTGTTTTTGGTCTTCAACT[G>A]AACTATTATTTCTTGAGTCCCCTAAAAAAAGGTTCAAAGGTCCAAATTACAAAAGTGATA-3'
Protein context (NP_055806.2, residues 528-548): NEQGDSRNNS[Ser538Leu]VEDQKHLALL